The following is an entry in ClinVar:

NM_002617.4(PEX10):c.300C>T (p.Ala100=)

Gene: PEX10 (peroxisomal biogenesis factor 10; minus strand). Cytogenetic location: 1p36.32.
Variant type: single nucleotide variant.
Coding change: c.300C>T on transcript NM_002617.4 (MANE Select); coding-DNA position 300, C replaced by T.
Protein change: p.Ala100=; no amino-acid change (alanine 100 retained).
Molecular consequence: synonymous variant. On other transcripts: 5 prime UTR variant (2), non-coding transcript variant (1).
Genome position (GRCh38, 1-based): chr1:2,408,752, G>A on the plus strand (C>T on the coding strand, the complement: PEX10 is on the minus strand). VCF-style: chr1-2408752-G-A. GRCh37 (hg19) VCF-style: chr1-2340191-G-A.
Other names: c.300C>T, p.Ala100= (NM_001374425.1, NM_153818.2); c.-133C>T (NM_001374426.1, NM_001374427.1).
Identifiers: ClinVar variation 754905 (VCV000754905.14), dbSNP rs759667036, ClinGen allele CA538217.

ClinVar aggregate classification (germline): Likely benign. Review status: criteria provided, multiple submitters, no conflicts (2 of 4 stars). 2 submissions from 2 submitters: Likely benign (2). Last evaluated 2025-09-01.

Conditions:
Peroxisome biogenesis disorder, complementation group 7 (CG7). Also called: Peroxisome biogenesis disorder, complementation group B. Identifiers: MedGen C1864399.

Allele frequency attached by ClinVar (database versions not stated): gnomAD 0.00001; gnomAD exomes 0.00001; ExAC 0.00002.
gnomAD v4.1: 7 of 1,613,810 alleles (0.00043%); highest among the groups gnomAD compares: Admixed American, 0.0033%; no homozygotes.

Submissions (2):

CeGaT Center for Human Genetics Tuebingen
Classification: Likely benign. Last evaluated: 2025-09-01. Review status: criteria provided, single submitter. Criteria: CeGaT Center For Human Genetics Tuebingen Variant Classification Criteria Version 2. Collection method: clinical testing. Allele origin: germline. Affected: yes. Observed: 1 variant allele.
Comment: PEX10: BP4, BP7

Labcorp Genetics (formerly Invitae), Labcorp
Classification: Likely benign for Peroxisome biogenesis disorder, complementation group 7. Last evaluated: 2023-04-09. Review status: criteria provided, single submitter. Criteria: Invitae Variant Classification Sherloc (09022015). Collection method: clinical testing. Allele origin: germline.